The following is an entry in ClinVar:

ClinVar aggregate classification (germline): Conflicting classifications of pathogenicity. Review status: criteria provided, conflicting classifications (1 of 4 stars). 7 submissions from 7 submitters: Uncertain significance (1); Benign (1); Likely benign (3). 2 of the submissions do not count toward it. Last evaluated 2026-01-20.

Conditions:
Cardiovascular phenotype. Identifiers: MedGen CN230736.
Amyloidosis, hereditary systemic 1 (AMYLD1). Also called: Familial amyloid polyneuropathy; Transthyretin Amyloidosis; AMYLOID CARDIOMYOPATHY; Hereditary Transthyretin Amyloidosis; Isolated Cardiac Amyloidosis; Amyloid Cardiomyopathy, Transthyretin-related. Identifiers: Orphanet 85447, Orphanet 85451, MedGen C2751492, MONDO:0971004, OMIM 105210.

Allele frequency attached by ClinVar (database versions not stated): ExAC 0.00001; gnomAD 0.00001; gnomAD exomes 0.00001 and 0.00003; TOPMed 0.00002.
gnomAD v4.1: 23 of 1,613,510 alleles (0.0014%); highest among the groups gnomAD compares: Admixed American, 0.018%; no homozygotes.

Submissions (7):

Labcorp Genetics (formerly Invitae), Labcorp
Classification: Likely benign for Amyloidosis, hereditary systemic 1. Last evaluated: 2026-01-20. Review status: criteria provided, single submitter. Criteria: Invitae Variant Classification Sherloc (09022015). Collection method: clinical testing. Allele origin: germline.

Women's Health and Genetics/Laboratory Corporation of America, LabCorp
Classification: Likely benign. Last evaluated: 2024-03-30. Review status: criteria provided, single submitter. Criteria: LabCorp Variant Classification Summary - May 2015. Collection method: clinical testing. Allele origin: germline.

ARUP Laboratories, Molecular Genetics and Genomics, ARUP Laboratories
Classification: Likely benign. Last evaluated: 2023-09-04. Review status: criteria provided, single submitter. Criteria: ARUP Molecular Germline Variant Investigation Process 2024. Collection method: clinical testing. Allele origin: germline.

Ambry Genetics
Classification: Uncertain significance for Cardiovascular phenotype. Last evaluated: 2017-11-08. Review status: criteria provided, single submitter. Criteria: Ambry Variant Classification Scheme 2023. Collection method: clinical testing. Allele origin: germline.
Comment: The c.70-16T>C intronic variant results from a T to C substitution 16 nucleotides upstream from coding exon 2 in the TTR gene. This nucleotide position is not well conserved in available vertebrate species. Using the BDGP and ESEfinder splice site prediction tools, this alteration is not predicted to have any significant effect on this splice acceptor site; however, direct evidence is unavailable. Since supporting evidence is limited at this time, the clinical significance of this alteration remains unclear.

GeneDx
Classification: Benign. Last evaluated: 2016-04-28. Review status: criteria provided, single submitter. Criteria: GeneDx Variant Classification Process June 2021. Collection method: clinical testing. Allele origin: germline. Affected: yes.

Clinical Genetics, Academic Medical Center
Classification: Benign. Review status: no assertion criteria provided. Collection method: clinical testing. Allele origin: germline. Affected: yes. Study: VKGL Data-share Consensus. Not counted in ClinVar's aggregate classification.

Joint Genome Diagnostic Labs from Nijmegen and Maastricht, Radboudumc and MUMC+
Classification: Likely benign. Review status: no assertion criteria provided. Collection method: clinical testing. Allele origin: germline. Affected: yes. Study: VKGL Data-share Consensus. Not counted in ClinVar's aggregate classification.

NM_000371.4(TTR):c.70-16T>C

Gene: TTR (transthyretin; plus strand). Cytogenetic location: 18q12.1.
Variant type: single nucleotide variant.
Coding change: c.70-16T>C on transcript NM_000371.4 (MANE Select); 16 bases into the intron before coding-DNA position 70, T replaced by C.
Molecular consequence: intron variant.
Genome position (GRCh38, 1-based): chr18:31,592,880, T>C. VCF-style: chr18-31592880-T-C. GRCh37 (hg19) VCF-style: chr18-29172843-T-C.
Identifiers: ClinVar variation 1284490 (VCV001284490.18), dbSNP rs759512847, ClinGen allele CA8928402.